The following is an entry in ClinVar:

NM_020381.4(PDSS2):c.7T>C (p.Phe3Leu)

Gene: PDSS2 (decaprenyl diphosphate synthase subunit 2; minus strand). Cytogenetic location: 6q21.
Variant type: single nucleotide variant.
Coding change: c.7T>C on transcript NM_020381.4 (MANE Select); coding-DNA position 7, T replaced by C.
Protein change: p.Phe3Leu; replaces phenylalanine 3 with leucine.
Molecular consequence: missense variant.
Genome position (GRCh38, 1-based): chr6:107,459,279, A>G on the plus strand (T>C on the coding strand, the complement: PDSS2 is on the minus strand). VCF-style: chr6-107459279-A-G. GRCh37 (hg19) VCF-style: chr6-107780483-A-G.
Other names: p.F3L:TTT>CTT; short protein forms F3L.
Identifiers: ClinVar variation 138689 (VCV000138689.19), dbSNP rs3734675, ClinGen allele CA292776.

ClinVar aggregate classification (germline): Benign. Review status: criteria provided, multiple submitters, no conflicts (2 of 4 stars). 8 submissions from 8 submitters: Benign (5). 3 of the submissions do not count toward it. Last evaluated 2026-02-01.

Conditions:
Kidney disorder. Also called: Nephropathy; renal disease; Kidney disease; Kidney Diseases; renal disorder. Identifiers: MedGen C0022658, MONDO:0005240, HP:0000112.

Allele frequency attached by ClinVar (database versions not stated): ESP Exome Variant Server 0.00215; gnomAD exomes 0.00552 and 0.01554; gnomAD 0.00756 and 0.00883; TOPMed 0.00910; ExAC 0.01455; 1000 Genomes Project 30x 0.02077; 1000 Genomes Project 0.02416.
gnomAD v4.1: 9,761 of 1,613,980 alleles (0.6%); highest among the groups gnomAD compares: East Asian, 10%; 329 homozygotes.

Submissions (8):

Labcorp Genetics (formerly Invitae), Labcorp
Classification: Benign. Last evaluated: 2026-02-01. Review status: criteria provided, single submitter. Criteria: Invitae Variant Classification Sherloc (09022015). Collection method: clinical testing. Allele origin: germline.

Blueprint Genetics
Classification: Benign. Last evaluated: 2024-11-27. Review status: criteria provided, single submitter. Criteria: ACMG Guidelines, 2015. Collection method: clinical testing. Allele origin: germline.

Genome Diagnostics Laboratory, The Hospital for Sick Children
Classification: Benign for Kidney disorder. Last evaluated: 2021-06-24. Review status: criteria provided, single submitter. Criteria: ACMG Guidelines, 2015. Collection method: clinical testing. Allele origin: germline.

GeneDx
Classification: Benign. Last evaluated: 2013-12-31. Review status: criteria provided, single submitter. Criteria: GeneDx Variant Classification (06012015). Collection method: clinical testing. Allele origin: germline. Affected: yes.
Comment: This variant is considered likely benign or benign based on one or more of the following criteria: it is a conservative change, it occurs at a poorly conserved position in the protein, it is predicted to be benign by multiple in silico algorithms, and/or has population frequency not consistent with disease.

PreventionGenetics, part of Exact Sciences
Classification: Benign. Review status: criteria provided, single submitter. Criteria: ACMG Guidelines, 2015. Collection method: clinical testing. Allele origin: germline.

Mayo Clinic Laboratories, Mayo Clinic
Classification: Benign. Last evaluated: 2017-06-14. Review status: no assertion criteria provided. Collection method: clinical testing. Allele origin: unknown. Not counted in ClinVar's aggregate classification.

Clinical Genetics, Academic Medical Center
Classification: Benign. Review status: no assertion criteria provided. Collection method: clinical testing. Allele origin: germline. Affected: yes. Study: VKGL Data-share Consensus. Not counted in ClinVar's aggregate classification.

Laboratory of Diagnostic Genome Analysis, Leiden University Medical Center (LUMC)
Classification: Likely benign. Review status: no assertion criteria provided. Collection method: clinical testing. Allele origin: germline. Affected: yes. Study: VKGL Data-share Consensus. Not counted in ClinVar's aggregate classification.